The following is an entry in ClinVar:

ClinVar aggregate classification (germline): Likely benign. Review status: criteria provided, multiple submitters, no conflicts (2 of 4 stars). 3 submissions from 3 submitters: Likely benign (2). 1 of the submissions does not count toward it. Last evaluated 2025-12-17.

Conditions:
ALG11-related disorder. Also called: ALG11-related condition.
ALG11-congenital disorder of glycosylation. Also called: CONGENITAL DISORDER OF GLYCOSYLATION, TYPE Ip; ALG11-CDG. Identifiers: Orphanet 280071, MedGen C3150913, MONDO:0013349, OMIM 613661.

Allele frequency attached by ClinVar (database versions not stated): TOPMed 0.00005; ExAC 0.00007; ESP Exome Variant Server 0.00008; gnomAD 0.00010; gnomAD exomes 0.00010; 1000 Genomes Project 30x 0.00016; 1000 Genomes Project 0.00020.
gnomAD v4.1: 169 of 1,614,058 alleles (0.01%); highest among the groups gnomAD compares: Non-Finnish European, 0.012%; no homozygotes.

Submissions (3):

Labcorp Genetics (formerly Invitae), Labcorp
Classification: Likely benign for ALG11-congenital disorder of glycosylation. Last evaluated: 2025-12-17. Review status: criteria provided, single submitter. Criteria: Invitae Variant Classification Sherloc (09022015). Collection method: clinical testing. Allele origin: germline.

Blueprint Genetics
Classification: Likely benign. Last evaluated: 2024-06-17. Review status: criteria provided, single submitter. Criteria: ACMG Guidelines, 2015. Collection method: clinical testing. Allele origin: germline.

PreventionGenetics, part of Exact Sciences
Classification: Likely benign for ALG11-related condition. Last evaluated: 2020-01-13. Review status: no assertion criteria provided. Collection method: clinical testing. Allele origin: germline. Not counted in ClinVar's aggregate classification.
Comment: This variant is classified as likely benign based on ACMG/AMP sequence variant interpretation guidelines (Richards et al. 2015 PMID: 25741868, with internal and published modifications).

NM_001004127.3(ALG11):c.543G>A (p.Thr181=)

Gene: ALG11 (ALG11 alpha-1,2-mannosyltransferase; plus strand). Cytogenetic location: 13q14.3.
Variant type: single nucleotide variant.
Coding change: c.543G>A on transcript NM_001004127.3 (MANE Select); coding-DNA position 543, G replaced by A.
Protein change: p.Thr181=; no amino-acid change (threonine 181 retained).
Molecular consequence: synonymous variant.
Genome position (GRCh38, 1-based): chr13:52,024,273, G>A. VCF-style: chr13-52024273-G-A. GRCh37 (hg19) VCF-style: chr13-52598409-G-A.
Identifiers: ClinVar variation 3045994 (VCV003045994.4), dbSNP rs41292788, ClinGen allele CA6989931.